The following is an entry in ClinVar:

NM_000392.5(ABCC2):c.4527C>T (p.Asn1509=)

Gene: ABCC2 (ATP binding cassette subfamily C member 2; plus strand). Cytogenetic location: 10q24.2.
Variant type: single nucleotide variant.
Coding change: c.4527C>T on transcript NM_000392.5 (MANE Select); coding-DNA position 4527, C replaced by T.
Protein change: p.Asn1509=; no amino-acid change (asparagine 1509 retained).
Molecular consequence: synonymous variant.
Genome position (GRCh38, 1-based): chr10:99,851,520, C>T. VCF-style: chr10-99851520-C-T. GRCh37 (hg19) VCF-style: chr10-101611277-C-T.
Other names: p.Asn1509=; c.4527C>T, p.Asn1509= (LRG_1208t1).
Identifiers: ClinVar variation 196729 (VCV000196729.44), dbSNP rs8187709, ClinGen allele CA202525.

ClinVar aggregate classification (germline): Benign/Likely benign. Review status: criteria provided, multiple submitters, no conflicts (2 of 4 stars). 7 submissions from 7 submitters: Benign (4); Likely benign (3). Last evaluated 2026-01-12.

Conditions:
Dubin-Johnson syndrome (DJS). Also called: Jaundice, Chronic Idiopathic; HYPERBILIRUBINEMIA, DUBIN-JOHNSON TYPE; Hyperbilirubinemia type 2. Identifiers: Orphanet 234, MedGen C0022350, MONDO:0009380, OMIM 237500.

Allele frequency attached by ClinVar (database versions not stated): 1000 Genomes Project 30x 0.00047; 1000 Genomes Project 0.00060; ESP Exome Variant Server 0.00154; TOPMed 0.00155; ExAC 0.00232; gnomAD 0.00257 and 0.00269; gnomAD exomes 0.00270 and 0.00283.
gnomAD v4.1: 4,483 of 1,613,970 alleles (0.28%); highest among the groups gnomAD compares: Non-Finnish European, 0.29%; 9 homozygotes.

Submissions (7):

Labcorp Genetics (formerly Invitae), Labcorp
Classification: Benign. Last evaluated: 2026-01-12. Review status: criteria provided, single submitter. Criteria: Invitae Variant Classification Sherloc (09022015). Collection method: clinical testing. Allele origin: germline.

Mayo Clinic Laboratories, Mayo Clinic
Classification: Likely benign. Last evaluated: 2025-07-23. Review status: criteria provided, single submitter. Criteria: ACMG Guidelines, 2015. Collection method: clinical testing. Allele origin: germline. Observed: 1 variant allele.
Comment: BS1, BP4, BP7

Blueprint Genetics
Classification: Likely benign. Last evaluated: 2024-11-12. Review status: criteria provided, single submitter. Criteria: ACMG Guidelines, 2015. Collection method: clinical testing. Allele origin: germline.

CeGaT Center for Human Genetics Tuebingen
Classification: Likely benign. Last evaluated: 2023-03-01. Review status: criteria provided, single submitter. Criteria: CeGaT Center For Human Genetics Tuebingen Variant Classification Criteria Version 2. Collection method: clinical testing. Allele origin: germline. Affected: yes. Observed: 1 variant allele.
Comment: ABCC2: BP4, BP7

Illumina Laboratory Services, Illumina
Classification: Benign for Dubin-Johnson syndrome. Last evaluated: 2017-04-27. Review status: criteria provided, single submitter. Criteria: ICSL Variant Classification Criteria 13 December 2019. Collection method: clinical testing. Allele origin: germline.
Comment: This variant was observed as part of a predisposition screen in an ostensibly healthy population. A literature search was performed for the gene, cDNA change, and amino acid change (where applicable). No publications were found based on this search. Allele frequency data from public databases was too high to be consistent with this variant causing disease. Therefore, this variant is classified as benign.

Eurofins Ntd Llc (ga)
Classification: Benign. Last evaluated: 2015-05-14. Review status: criteria provided, single submitter. Criteria: EGL Classification Definitions 2015. Collection method: clinical testing. Allele origin: germline. Observed: 1 variant allele, 1 heterozygote.

Breakthrough Genomics
Classification: Benign. Review status: criteria provided, single submitter. Criteria: ACMG Guidelines, 2015. Collection method: not provided. Allele origin: germline. Inheritance: Autosomal recessive inheritance. Affected: yes.